The following is an entry in ClinVar:

NM_003072.5(SMARCA4):c.356-9T>C

Gene: SMARCA4 (SWI/SNF related BAF chromatin remodeling complex subunit ATPase 4; plus strand). Cytogenetic location: 19p13.2.
Variant type: single nucleotide variant.
Coding change: c.356-9T>C on transcript NM_003072.5 (MANE Select); 9 bases into the intron before coding-DNA position 356, T replaced by C.
Molecular consequence: intron variant.
Genome position (GRCh38, 1-based): chr19:10,986,180, T>C. VCF-style: chr19-10986180-T-C. GRCh37 (hg19) VCF-style: chr19-11096856-T-C.
Other names: c.356-9T>C (NM_001128844.3, NM_001128849.3, NM_001128847.4 and 5 more transcripts).
Identifiers: ClinVar variation 537859 (VCV000537859.9), dbSNP rs1555752848, ClinGen allele CA658799120.
Genomic context (GRCh38, chr19:10,986,180, plus strand): 5'-GGGGGAAGAGGCTGTAAAAATCACAGACATATGCTGCCGAGTGACCAGTGGGCTGACCTT[T>C]CTCTGCAGGTTACCCCTCGCCCCTGGGTGGCTCTGAGCATGCCTCTAGTCCAGTTCCAGC-3'

ClinVar aggregate classification (germline): Likely benign. Review status: criteria provided, multiple submitters, no conflicts (2 of 4 stars). 2 submissions from 2 submitters: Likely benign (2). Last evaluated 2026-07-06.

Conditions:
Rhabdoid tumor predisposition syndrome 2 (RTPS2). Identifiers: Orphanet 231108, Orphanet 69077, MedGen C2750074, MONDO:0013224, OMIM 613325.

Allele frequency attached by ClinVar (database versions not stated): gnomAD exomes 0.00001.
gnomAD v4.1: 3 of 1,611,052 alleles (0.00019%); highest among the groups gnomAD compares: Non-Finnish European, 0.00025%; no homozygotes.

Submissions (2):

Myriad Genetics, Inc.
Classification: Likely benign for Rhabdoid tumor predisposition syndrome 2. Last evaluated: 2026-07-06. Review status: criteria provided, single submitter. Criteria: Myriad Autosomal Dominant, Autosomal Recessive and X-Linked Classification Criteria (2023). Collection method: clinical testing. Allele origin: unknown.
Comment: This variant is considered likely benign. This variant is intronic and is not expected to impact mRNA splicing.

Labcorp Genetics (formerly Invitae), Labcorp
Classification: Likely benign for Rhabdoid tumor predisposition syndrome 2. Last evaluated: 2017-10-19. Review status: criteria provided, single submitter. Criteria: Invitae Variant Classification Sherloc (09022015). Collection method: clinical testing. Allele origin: germline.